The following is an entry in ClinVar:

ClinVar aggregate classification (germline): Pathogenic (1 of 4 stars; one submission).

Conditions:
Hereditary pheochromocytoma and paraganglioma. Also called: Hereditary Paraganglioma-Pheochromocytoma Syndromes; Hereditary paragangliomas and pheochromocytomas; Hereditary pheochromocytoma-paraganglioma. Identifiers: Orphanet 29072, MedGen C4274332, MONDO:0017366.

Submission:

Labcorp Genetics (formerly Invitae), Labcorp
Classification: Pathogenic for Hereditary pheochromocytoma and paraganglioma. Last evaluated: 2019-09-27. Review status: criteria provided, single submitter. Criteria: Invitae Variant Classification Sherloc (09022015). Collection method: clinical testing. Allele origin: germline.
Comment: For these reasons, this variant has been classified as Pathogenic. Loss-of-function variants in SDHAF2 are known to be pathogenic (PMID: 22241717, 26096992). This variant has not been reported in the literature in individuals with SDHAF2-related conditions. ClinVar contains an entry for this variant (Variation ID: 532513). This variant is not present in population databases (ExAC no frequency). This sequence change creates a premature translational stop signal (p.Asp60*) in the SDHAF2 gene. It is expected to result in an absent or disrupted protein product.

Literature cited by the submitters: PubMed 22241717; PubMed 26096992.

NM_017841.4(SDHAF2):c.177dup (p.Asp60Ter)

Gene: SDHAF2 (succinate dehydrogenase complex assembly factor 2; plus strand). Cytogenetic location: 11q12.2.
Variant type: Duplication.
Coding change: c.177dup on transcript NM_017841.4 (MANE Select); coding-DNA position 177, one base duplicated (T; older notation c.177dupT).
Protein change: p.Asp60Ter; replaces aspartic acid 60 with a stop codon.
Molecular consequence: nonsense.
Genome position (GRCh38, 1-based): chr11:61,437,765, T duplicated. VCF-style (leftmost placement, unchanged base first): chr11-61437764-C-CT. GRCh37 (hg19) VCF-style: chr11-61205236-C-CT.
Other names: c.177dupT (NM_017841.2); short protein forms D60*.
Identifiers: ClinVar variation 532513 (VCV000532513.8), dbSNP rs1554984631, ClinGen allele CA658797653.
Genomic context (GRCh38, chr11:61,437,764, plus strand): 5'-GCCCAACAGATTCCCAAAAGGACATGATTGAAATCCCTTTGCCTCCATGGCAGGAGAGAA[C>CT]TGATGAATCCATAGAAACCAAAAGAGCCCGCCTGCTCTATGAGAGCAGAAAGAGGGGAAT-3'